The following is an entry in ClinVar:

NM_001376.5(DYNC1H1):c.9455A>G (p.Gln3152Arg)

Genes: DYNC1H1 (dynein cytoplasmic 1 heavy chain 1; plus strand), LOC126862060 (BRD4-independent group 4 enhancer GRCh37_chr14:102493659-102494858; plus strand). Cytogenetic location: 14q32.31.
Variant type: single nucleotide variant.
Coding change: c.9455A>G on transcript NM_001376.5 (MANE Select); coding-DNA position 9455, A replaced by G.
Protein change: p.Gln3152Arg; replaces glutamine 3152 with arginine.
Molecular consequence: missense variant.
Genome position (GRCh38, 1-based): chr14:102,028,128, A>G. VCF-style: chr14-102028128-A-G. GRCh37 (hg19) VCF-style: chr14-102494465-A-G.
Other names: short protein forms Q3152R.
Identifiers: ClinVar variation 572095 (VCV000572095.10), dbSNP rs1053560376, ClinGen allele CA266962982.

ClinVar aggregate classification (germline): Uncertain significance. Review status: criteria provided, multiple submitters, no conflicts (2 of 4 stars). 2 submissions from 2 submitters: Uncertain significance (2). Last evaluated 2026-04-16.

Conditions:
Inborn genetic diseases. Identifiers: MedGen C0950123, MeSH D030342.
Charcot-Marie-Tooth disease axonal type 2O. Also called: CHARCOT-MARIE-TOOTH DISEASE, AXONAL, AUTOSOMAL DOMINANT, TYPE 2O; CHARCOT-MARIE-TOOTH NEUROPATHY, AXONAL, TYPE 2O; Charcot-Marie-Tooth Neuropathy Type 2O; Charcot-Marie-Tooth disease, axonal, type 20. Identifiers: Orphanet 284232, MedGen C3280220, MONDO:0013644, OMIM 614228.

gnomAD v4.1: 4 of 1,614,104 alleles (0.00025%); highest among the groups gnomAD compares: Non-Finnish European, 0.00025%; no homozygotes.

Submissions (2):

Ambry Genetics
Classification: Uncertain significance for Inborn genetic diseases. Last evaluated: 2026-04-16. Review status: criteria provided, single submitter. Criteria: Ambry Variant Classification Scheme 2023. Collection method: clinical testing. Allele origin: germline.

Labcorp Genetics (formerly Invitae), Labcorp
Classification: Uncertain significance for Charcot-Marie-Tooth disease axonal type 2O. Last evaluated: 2025-03-26. Review status: criteria provided, single submitter. Criteria: Invitae Variant Classification Sherloc (09022015). Collection method: clinical testing. Allele origin: germline.
Comment: This sequence change replaces glutamine, which is neutral and polar, with arginine, which is basic and polar, at codon 3152 of the DYNC1H1 protein (p.Gln3152Arg). This variant is not present in population databases (gnomAD no frequency). This variant has not been reported in the literature in individuals affected with DYNC1H1-related conditions. ClinVar contains an entry for this variant (Variation ID: 572095). Invitae Evidence Modeling of protein sequence and biophysical properties (such as structural, functional, and spatial information, amino acid conservation, physicochemical variation, residue mobility, and thermodynamic stability) indicates that this missense variant is not expected to disrupt DYNC1H1 protein function with a negative predictive value of 95%. In summary, the available evidence is currently insufficient to determine the role of this variant in disease. Therefore, it has been classified as a Variant of Uncertain Significance.